The following continues an entry in ClinVar:

NM_000535.7(PMS2):c.2444C>T (p.Ser815Leu)

Gene: PMS2. ClinVar aggregate classification (germline): Likely pathogenic. Likely pathogenic (1).

Submissions 8 to 17 of 17:

Ambry Genetics
Classification: Likely pathogenic for Hereditary cancer-predisposing syndrome. Last evaluated: 2025-01-21. Review status: criteria provided, single submitter. Criteria: Ambry Variant Classification Scheme 2023. Collection method: clinical testing. Allele origin: germline. Not counted in ClinVar's aggregate classification.
Comment: The p.S815L variant (also known as c.2444C>T), located in coding exon 14 of the PMS2 gene, results from a C to T substitution at nucleotide position 2444. The serine at codon 815 is replaced by leucine, an amino acid with dissimilar properties. This alteration has been detected in several individuals with Lynch associated cancers that demonstrated high microsatellite instability (MSI-H) and/or loss of PMS2 on immunohistochemistry (IHC) (van der Klift HM et al. Hum. Mutat. 2010 May;31:578-87; van der Klift HM et al. Hum. Mutat. 2016 Nov;37:1162-1179). It has also been reported in a homozygous state in a child with features of CMMRD and demonstrated severely impaired mismatch activity in an in vitro functional assay (van der Klift HM et al. Hum. Mutat. 2016 Nov;37:1162-1179; Suerink M et al. Clin. Genet. 2018 Jan;93:134-137). This alteration was also identified in three affected individuals of a family that met Amsterdam II criteria, and the colorectal tumor of the proband as well as the ovarian tumor of the mother showed MSI-H with loss of PMS2 on IHC (Brea-Fern&aacute;ndez AJ et al. Clin. Genet. 2014 Jun;85:583-8; Gonzalez-Acosta M et al. Fam. Cancer 2017 Oct;16(4):501-507). Additional in vitro functional assays demonstrated decreased MLH1 and PMS2 protein expression as well as impaired MMR activity for the p.S815L variant (Gonzalez-Acosta M et al. Fam. Cancer 2017 Oct;16(4):501-507). Based on internal structural assessment, this alteration is expected to disrupt the interaction of PMS2 with MLH1 (Ambry internal data; Gueneau E et al. Nat. Struct. Mol. Biol. 2013 Apr;20:461-8). This missense alteration is located in a region that has a low rate of benign missense variation (Lek M et al. Nature. 2016 Aug 18;536(7616):285-91; DECIPHER: Database of Chromosomal Imbalance and Phenotype in Humans using Ensembl Resources. Firth H.V. et al. 2009. Am.J.Hum.Genet. 84, 524-533 (DOI)). This amino acid position is highly conserved in available vertebrate species. Based on the majority of available evidence to date, this variant is likely to be pathogenic.

Color Diagnostics, LLC DBA Color Health
Classification: Pathogenic for Hereditary cancer-predisposing syndrome. Last evaluated: 2024-12-11. Review status: criteria provided, single submitter. Criteria: ACMG Guidelines, 2015. Collection method: clinical testing. Allele origin: germline. Not counted in ClinVar's aggregate classification.
Comment: This missense variant replaces serine with leucine at codon 815 of the PMS2 protein. Computational prediction suggests that this variant may have deleterious impact on protein structure and function (internally defined REVEL score threshold >= 0.7, PMID: 27666373). Functional assays have reported that this variant protein has significantly reduced mismatch repair activity and protein expression compared to wild type (PMID: 27435373, 28365877). This variant has been reported in multiple individuals and families affected with Lynch syndrome-associated cancers (PMID: 20186688, 23837913, 25512458, 26110232, 27435373, 28365877), and has been observed to segregate with disease in one family (PMID: 28365877). This variant has also been observed in a homozygous carrier affected with constitutional mismatch repair deficiency (PMID: 28503822). This variant has been identified in 2/199430 chromosomes in the general population by the Genome Aggregation Database (gnomAD). Based on the available evidence, this variant is classified as Pathogenic.

Department of Pathology and Laboratory Medicine, Sinai Health System
Classification: Pathogenic for Lynch syndrome 4. Last evaluated: 2024-06-13. Review status: criteria provided, single submitter. Criteria: ACMG Guidelines, 2015. Collection method: clinical testing. Allele origin: germline. Affected: yes. Not counted in ClinVar's aggregate classification.

Baylor Genetics
Classification: Likely pathogenic for Lynch syndrome 4. Last evaluated: 2023-10-20. Review status: criteria provided, single submitter. Criteria: ACMG Guidelines, 2015. Collection method: clinical testing. Allele origin: unknown. Not counted in ClinVar's aggregate classification.

Myriad Genetics, Inc.
Classification: Likely pathogenic for Lynch syndrome 4. Last evaluated: 2023-09-25. Review status: criteria provided, single submitter. Criteria: Myriad Autosomal Dominant, Autosomal Recessive and X-Linked Classification Criteria (2023). Collection method: clinical testing. Allele origin: unknown. Not counted in ClinVar's aggregate classification.
Comment: This variant is considered likely pathogenic. This variant is expected to disrupt protein structure [Myriad internal data]. Functional studies indicate this variant impacts protein function [PMID: 27435373].

GeneDx
Classification: Likely pathogenic. Last evaluated: 2022-11-29. Review status: criteria provided, single submitter. Criteria: GeneDx Variant Classification Process June 2021. Collection method: clinical testing. Allele origin: germline. Affected: yes. Not counted in ClinVar's aggregate classification.
Comment: Published functional studies demonstrate a damaging effect: deficient mismatch repair activity (van der Klift et al., 2016); Observed in patients with Lynch-related cancers and tumor studies consistent with pathogenic variants in this gene and has been shown to segregate with affected individuals in one family (van der Klift et al., 2010; Suerink et al., 2016; ten Broeke et al., 2015; Gonzalez-Acosta et al., 2017); In silico analysis supports that this missense variant has a deleterious effect on protein structure/function; Not observed at significant frequency in large population cohorts (gnomAD); This variant is associated with the following publications: (PMID: 26110232, 23837913, 25512458, 22675565, 22290698, 20186688, 23709753, 27435373, 23435383, 30013564, 28365877, Lukas2018, 28503822, 21552516, 29922827, 35451539, 35532657)

Genetics and Molecular Pathology, SA Pathology
Classification: Likely pathogenic for Lynch syndrome. Last evaluated: 2020-02-24. Review status: criteria provided, single submitter. Criteria: ACMG Guidelines, 2015. Collection method: clinical testing. Allele origin: germline. Affected: yes. Not counted in ClinVar's aggregate classification.

Laboratory for Molecular Medicine, Mass General Brigham Personalized Medicine
Classification: Likely pathogenic for Lynch syndrome. Last evaluated: 2019-08-06. Review status: criteria provided, single submitter. Criteria: ACMG Guidelines, 2015. Collection method: clinical testing. Allele origin: germline. Inheritance: Autosomal dominant inheritance. Not counted in ClinVar's aggregate classification.
Comment: The p.Ser815Leu variant in PMS2 has been reported in the heterozygous state in at least 3 individuals with PMS2-related cancers and segregated with disease in 2 affected members of one family (van der Klift 2010, Brea-Fernández 2014, ten Broeke 2015, van der Klift 2016, González-Acosta 2017). It has also been reported in the homozygous or compound heterozygous state in 2 individuals with features of congenital mismatch repair deficiency (CMMRD) and absence of PMS2 protein by IHC (Suerink 2016 and 2018, University of Washington personal communication). This variant has been identified in 0.008% (1/12702) of African chromosomes in gnomAD. In vitro functional studies suggest that this variant leads to reduced PMS2 protein levels and deficiencies in mismatch repair (van der Klift 2016, González-Acosta 2017). Computational prediction tools and conservation analyses support that this variant may impact the protein, though this information is not predictive enough to determine pathogenicity. Finally, this variant was classified as Likely Pathogenic on Oct. 18, 2018 by the ClinGen-approved InSiGHT expert panel (SCV000108351.3). In summary, although additional studies are required to fully establish its clinical significance, this variant meets criteria to be classified as likely pathogenic for autosomal dominant Lynch syndrome. ACMG/AMP Criteria applied: PM3, PS3_Moderate, PP3, PS4_Supporting.

Fulgent Genetics
Classification: Uncertain significance for Mismatch repair cancer syndrome 1; Lynch syndrome 4. Last evaluated: 2018-10-31. Review status: criteria provided, single submitter. Criteria: ACMG Guidelines, 2015. Collection method: clinical testing. Allele origin: unknown. Not counted in ClinVar's aggregate classification.

Juno Genomics, Hangzhou Juno Genomics, Inc
Classification: Likely pathogenic for Lynch syndrome 4. Review status: criteria provided, single submitter. Criteria: ACMG Guidelines, 2015. Collection method: clinical testing. Allele origin: germline. Not counted in ClinVar's aggregate classification.
Comment: Multiple lines of computational evidence support a deleterious effect on the gene or gene product.;For recessive disorders, detected in trans with a pathogenic variant.;Patient's phenotype or family history is highly specific for a disease with a single genetic etiology.

Literature cited by the submitters: PubMed 22290698 (cited by 3 submitters); PubMed 23837913 (cited by 5 submitters); PubMed 27435373 (cited by 8 submitters); PubMed 28365877 (cited by 6 submitters); PubMed 28503822 (cited by 6 submitters); PubMed 35532657 (cited by Women's Health and Genetics/Laboratory Corporation of America, LabCorp); PubMed 20186688 (cited by 5 submitters); PubMed 25512458 (cited by 4 submitters); PubMed 26110232 (cited by 5 submitters); PubMed 23435383 (cited by Ambry Genetics); PubMed 31507588 (cited by Ambry Genetics); PubMed 30013564 (cited by Laboratory for Molecular Medicine, Mass General Brigham Personalized Medicine).